The following is an entry in ClinVar:

NM_152643.8(KNDC1):c.3377C>T (p.Ala1126Val)

Gene: KNDC1 (kinase non-catalytic C-lobe domain containing 1; plus strand). Cytogenetic location: 10q26.3.
Variant type: single nucleotide variant.
Coding change: c.3377C>T on transcript NM_152643.8 (MANE Select); coding-DNA position 3377, C replaced by T.
Protein change: p.Ala1126Val; replaces alanine 1126 with valine.
Molecular consequence: missense variant.
Genome position (GRCh38, 1-based): chr10:133,201,888, C>T. VCF-style: chr10-133201888-C-T. GRCh37 (hg19) VCF-style: chr10-135015392-C-T.
Other names: c.3377C>T, p.Ala1126Val (NM_033404.2); short protein forms A1126V.
Identifiers: ClinVar variation 3025060 (VCV003025060.22), dbSNP rs200951131, ClinGen allele CA5760971.

ClinVar aggregate classification (germline): Benign (1 of 4 stars; one submission).

Allele frequency attached by ClinVar (database versions not stated): 1000 Genomes Project 30x 0.00016; ESP Exome Variant Server 0.00045; TOPMed 0.00057; gnomAD 0.00074; gnomAD exomes 0.00079; ExAC 0.00271.

Submission:

CeGaT Center for Human Genetics Tuebingen
Classification: Benign. Last evaluated: 2024-01-01. Review status: criteria provided, single submitter. Criteria: CeGaT Center For Human Genetics Tuebingen Variant Classification Criteria Version 2. Collection method: clinical testing. Allele origin: germline. Affected: yes. Observed: 1 variant allele.
Comment: KNDC1: BP4, BS1, BS2